The following is an entry in ClinVar:

ClinVar aggregate classification (germline): Uncertain significance (1 of 4 stars; one submission).

Allele frequency attached by ClinVar (database versions not stated): gnomAD exomes below 0.00001; gnomAD 0.00003; TOPMed 0.00006.
gnomAD v4.1: 9 of 1,613,370 alleles (0.00056%); highest among the groups gnomAD compares: African/African-American, 0.008%; no homozygotes.

Submission:

Labcorp Genetics (formerly Invitae), Labcorp
Classification: Uncertain significance. Last evaluated: 2024-12-16. Review status: criteria provided, single submitter. Criteria: Invitae Variant Classification Sherloc (09022015). Collection method: clinical testing. Allele origin: germline.
Comment: This sequence change replaces methionine, which is neutral and non-polar, with valine, which is neutral and non-polar, at codon 255 of the DDX58 protein (p.Met255Val). This variant is present in population databases (no rsID available, gnomAD 0.004%). This variant has not been reported in the literature in individuals affected with DDX58-related conditions. ClinVar contains an entry for this variant (Variation ID: 2894187). Invitae Evidence Modeling of protein sequence and biophysical properties (such as structural, functional, and spatial information, amino acid conservation, physicochemical variation, residue mobility, and thermodynamic stability) indicates that this missense variant is not expected to disrupt DDX58 protein function with a negative predictive value of 80%. In summary, the available evidence is currently insufficient to determine the role of this variant in disease. Therefore, it has been classified as a Variant of Uncertain Significance.

NM_014314.4(RIGI):c.763A>G (p.Met255Val)

Gene: RIGI (RNA sensor RIG-I; minus strand). Cytogenetic location: 9p21.1.
Variant type: single nucleotide variant.
Coding change: c.763A>G on transcript NM_014314.4 (MANE Select); coding-DNA position 763, A replaced by G.
Protein change: p.Met255Val; replaces methionine 255 with valine.
Molecular consequence: missense variant.
Genome position (GRCh38, 1-based): chr9:32,489,380, T>C on the plus strand (A>G on the coding strand, the complement: RIGI is on the minus strand). VCF-style: chr9-32489380-T-C. GRCh37 (hg19) VCF-style: chr9-32489378-T-C.
Other names: c.748A>G, p.Met250Val (NM_001385913.1); c.319A>G, p.Met107Val (NM_001385914.1); c.763A>G, p.Met255Val (NM_001385907.1, NM_001385909.1); c.322A>G, p.Met108Val (NM_001385910.1); c.154A>G, p.Met52Val (NM_001385912.1); short protein forms M107V, M250V, M255V, M52V, M108V.
Identifiers: ClinVar variation 2894187 (VCV002894187.3), dbSNP rs921634647, ClinGen allele CA192381356.